The following is an entry in ClinVar:

ClinVar aggregate classification (germline): Uncertain significance. Review status: criteria provided, multiple submitters, no conflicts (2 of 4 stars). 2 submissions from 2 submitters: Uncertain significance (2). Last evaluated 2026-03-26.

Conditions:
Fetal akinesia deformation sequence 1 (FADS1). Also called: Fetal akinesia sequence; Pena-Shokeir syndrome type I. Identifiers: Orphanet 994, MedGen C1276035, MONDO:0100101, OMIM 208150, HP:0001989.
Congenital myasthenic syndrome 9. Also called: Myasthenic syndrome, congenital, 9, associated with acetylcholine receptor deficiency. Identifiers: Orphanet 590, MedGen C4225368, MONDO:0014587, OMIM 616325.

Allele frequency attached by ClinVar (database versions not stated): gnomAD exomes below 0.00001; gnomAD 0.00001; TOPMed 0.00001.
gnomAD v4.1: 13 of 1,613,054 alleles (0.00081%); highest among the groups gnomAD compares: South Asian, 0.0022%; no homozygotes.

Submissions (2):

Women's Health and Genetics/Laboratory Corporation of America, LabCorp
Classification: Uncertain significance. Last evaluated: 2026-03-26. Review status: criteria provided, single submitter. Criteria: LabCorp Variant Classification Summary - May 2015. Collection method: clinical testing. Allele origin: germline.
Comment: Variant summary: MUSK c.220C>T (p.Arg74Trp) results in a non-conservative amino acid change in the encoded protein sequence. Algorithms developed to predict the effect of missense changes on protein structure and function are either unavailable or do not agree on the potential impact of this missense change. The variant allele was found at a frequency of 4e-06 in 248506 control chromosomes (gnomAD). The available data on variant occurrences in the general population are insufficient to allow any conclusion about variant significance. c.220C>T has been observed in one individual affected with fetal akinesia deformation sequence (Li_2019). These data do not allow any conclusion about variant significance. To our knowledge, no experimental evidence demonstrating an impact on protein function has been reported. The following publication have been ascertained in the context of this evaluation (PMID: 31750350). ClinVar contains an entry for this variant (Variation ID: 1503805). Based on the evidence outlined above, the variant was classified as uncertain significance.

Labcorp Genetics (formerly Invitae), Labcorp
Classification: Uncertain significance for Congenital myasthenic syndrome 9; Fetal akinesia deformation sequence 1. Last evaluated: 2021-09-09. Review status: criteria provided, single submitter. Criteria: Invitae Variant Classification Sherloc (09022015). Collection method: clinical testing. Allele origin: germline.
Comment: This sequence change replaces arginine with tryptophan at codon 74 of the MUSK protein (p.Arg74Trp). The arginine residue is highly conserved and there is a moderate physicochemical difference between arginine and tryptophan. This variant is not present in population databases (ExAC no frequency). This missense change has been observed in individual(s) with autosomal recessive fetal akinesia deformation sequence (PMID: 31750350). In at least one individual the data is consistent with the variant being in trans (on the opposite chromosome) from a pathogenic variant. Algorithms developed to predict the effect of missense changes on protein structure and function are either unavailable or do not agree on the potential impact of this missense change (SIFT: "Deleterious"; PolyPhen-2: "Probably Damaging"; Align-GVGD: "Class C0"). In summary, the available evidence is currently insufficient to determine the role of this variant in disease. Therefore, it has been classified as a Variant of Uncertain Significance.

Literature cited by the submitters: PubMed 31750350 (cited by Women's Health and Genetics/Laboratory Corporation of America, LabCorp and Labcorp Genetics (formerly Invitae), Labcorp).

NM_005592.4(MUSK):c.220C>T (p.Arg74Trp)

Gene: MUSK (muscle associated receptor tyrosine kinase; plus strand). Cytogenetic location: 9q31.3.
Variant type: single nucleotide variant.
Coding change: c.220C>T on transcript NM_005592.4 (MANE Select); coding-DNA position 220, C replaced by T.
Protein change: p.Arg74Trp; replaces arginine 74 with tryptophan.
Molecular consequence: missense variant.
Genome position (GRCh38, 1-based): chr9:110,687,130, C>T. VCF-style: chr9-110687130-C-T. GRCh37 (hg19) VCF-style: chr9-113449410-C-T.
Other names: c.220C>T, p.Arg74Trp (NM_001166280.2, NM_001166281.2); short protein forms R74W.
Identifiers: ClinVar variation 1503805 (VCV001503805.4), dbSNP rs1370203787, ClinGen allele CA374664194.